The following is an entry in ClinVar:

NM_052813.5(CARD9):c.1432C>G (p.His478Asp)

Gene: CARD9 (caspase recruitment domain family member 9; minus strand). Cytogenetic location: 9q34.3.
Variant type: single nucleotide variant.
Coding change: c.1432C>G on transcript NM_052813.5 (MANE Select); coding-DNA position 1432, C replaced by G.
Protein change: p.His478Asp; replaces histidine 478 with aspartic acid.
Molecular consequence: missense variant.
Genome position (GRCh38, 1-based): chr9:136,365,143, G>C on the plus strand (C>G on the coding strand, the complement: CARD9 is on the minus strand). VCF-style: chr9-136365143-G-C. GRCh37 (hg19) VCF-style: chr9-139259595-G-C.
Other names: c.1432C>G, p.His478Asp (NM_052814.4); c.1432C>G (NM_052813.4); short protein forms H478D.
Identifiers: ClinVar variation 1381833 (VCV001381833.9), dbSNP rs2131432720, ClinGen allele CA375541721.

ClinVar aggregate classification (germline): Uncertain significance. Review status: criteria provided, multiple submitters, no conflicts (2 of 4 stars). 2 submissions from 2 submitters: Uncertain significance (2). Last evaluated 2025-05-23.

Conditions:
Inborn genetic diseases. Identifiers: MedGen C0950123, MeSH D030342.
Predisposition to invasive fungal disease due to CARD9 deficiency (IMD103). Also called: IMMUNODEFICIENCY 103, SUSCEPTIBILITY TO FUNGAL INFECTIONS; CARD9 IMMUNODEFICIENCY; Candidiasis, familial, 2, autosomal recessive. Identifiers: Orphanet 457088, MedGen C1859353, MONDO:0008905, OMIM 212050.

gnomAD v4.1: 1 of 1,612,082 alleles (0.000062%); no homozygotes.

Submissions (2):

Ambry Genetics
Classification: Uncertain significance for Inborn genetic diseases. Last evaluated: 2025-05-23. Review status: criteria provided, single submitter. Criteria: Ambry Variant Classification Scheme 2023. Collection method: clinical testing. Allele origin: germline.

Labcorp Genetics (formerly Invitae), Labcorp
Classification: Uncertain significance for Predisposition to invasive fungal disease due to CARD9 deficiency. Last evaluated: 2025-04-07. Review status: criteria provided, single submitter. Criteria: Invitae Variant Classification Sherloc (09022015). Collection method: clinical testing. Allele origin: germline.
Comment: This sequence change replaces histidine, which is basic and polar, with aspartic acid, which is acidic and polar, at codon 478 of the CARD9 protein (p.His478Asp). This variant is not present in population databases (gnomAD no frequency). This variant has not been reported in the literature in individuals affected with CARD9-related conditions. ClinVar contains an entry for this variant (Variation ID: 1381833). An algorithm developed to predict the effect of missense changes on protein structure and function outputs the following: PolyPhen-2: "Benign". The aspartic acid amino acid residue is found in multiple mammalian species, which suggests that this missense change does not adversely affect protein function. In summary, the available evidence is currently insufficient to determine the role of this variant in disease. Therefore, it has been classified as a Variant of Uncertain Significance.